The following is an entry in ClinVar:

ClinVar aggregate classification (germline): Uncertain significance. Review status: criteria provided, multiple submitters, no conflicts (2 of 4 stars). 2 submissions from 2 submitters: Uncertain significance (2). Last evaluated 2025-02-17.

Conditions:
Cohen syndrome (COH1). Also called: PEPPER SYNDROME; Cutis verticis gyrata, retinitis pigmentosa, and sensorineural deafness. Identifiers: Orphanet 193, MedGen C0265223, MONDO:0008999, OMIM 216550.
VPS13B-related disorder. Also called: VPS13B-related condition.

Submissions (2):

PreventionGenetics, part of Exact Sciences
Classification: Uncertain significance for VPS13B-related condition. Last evaluated: 2025-02-17. Review status: criteria provided, single submitter. Criteria: ACMG Guidelines, 2015. Collection method: clinical testing. Allele origin: germline.
Comment: The VPS13B c.10967G>C variant is predicted to result in the amino acid substitution p.Gly3656Ala. To our knowledge, this variant has not been reported in the literature or in a large population database (gnomAD), indicating this variant is rare. At this time, the clinical significance of this variant is uncertain due to the absence of conclusive functional and genetic evidence.

Labcorp Genetics (formerly Invitae), Labcorp
Classification: Uncertain significance for Cohen syndrome. Last evaluated: 2022-07-19. Review status: criteria provided, single submitter. Criteria: Invitae Variant Classification Sherloc (09022015). Collection method: clinical testing. Allele origin: germline.
Comment: In summary, the available evidence is currently insufficient to determine the role of this variant in disease. Therefore, it has been classified as a Variant of Uncertain Significance. Algorithms developed to predict the effect of missense changes on protein structure and function are either unavailable or do not agree on the potential impact of this missense change (SIFT: "Not Available"; PolyPhen-2: "Possibly Damaging"; Align-GVGD: "Not Available"). This variant has not been reported in the literature in individuals affected with VPS13B-related conditions. This variant is not present in population databases (gnomAD no frequency). This sequence change replaces glycine, which is neutral and non-polar, with alanine, which is neutral and non-polar, at codon 3681 of the VPS13B protein (p.Gly3681Ala).

NM_152564.5(VPS13B):c.10967G>C (p.Gly3656Ala)

Gene: VPS13B (vacuolar protein sorting 13 homolog B; plus strand). Cytogenetic location: 8q22.2.
Variant type: single nucleotide variant.
Coding change: c.10967G>C on transcript NM_152564.5 (MANE Select); coding-DNA position 10967, G replaced by C.
Protein change: p.Gly3656Ala; replaces glycine 3656 with alanine.
Molecular consequence: missense variant.
Genome position (GRCh38, 1-based): chr8:99,859,403, G>C. VCF-style: chr8-99859403-G-C. GRCh37 (hg19) VCF-style: chr8-100871631-G-C.
Other names: c.11042G>C, p.Gly3681Ala (NM_017890.5); short protein forms G3656A, G3681A.
Identifiers: ClinVar variation 1719029 (VCV001719029.6), dbSNP rs1214631953, ClinGen allele CA371789283.